The following is an entry in ClinVar:

ClinVar aggregate classification (germline): Uncertain significance. Review status: criteria provided, multiple submitters, no conflicts (2 of 4 stars). 2 submissions from 2 submitters: Uncertain significance (2). Last evaluated 2025-05-16.

Conditions:
Growth retardation, intellectual developmental disorder, hypotonia, and hepatopathy (GRIDHH). Also called: GROWTH RETARDATION, IMPAIRED INTELLECTUAL DEVELOPMENT, HYPOTONIA, AND HEPATOPATHY. Identifiers: Orphanet 541423, MedGen C4310720, MONDO:0014911, OMIM 617093.

Allele frequency attached by ClinVar (database versions not stated): TOPMed 0.00005; gnomAD exomes 0.00001; gnomAD 0.00003.
gnomAD v4.1: 75 of 1,613,810 alleles (0.0046%); highest among the groups gnomAD compares: Non-Finnish European, 0.0058%; no homozygotes.

Submissions (2):

Ambry Genetics
Classification: Uncertain significance. Last evaluated: 2025-05-16. Review status: criteria provided, single submitter. Criteria: Ambry Variant Classification Scheme 2023. Collection method: clinical testing. Allele origin: germline.

Baylor Genetics
Classification: Uncertain significance for Growth retardation, intellectual developmental disorder, hypotonia, and hepatopathy. Last evaluated: 2018-05-04. Review status: criteria provided, single submitter. Criteria: ACMG Guidelines, 2015. Collection method: clinical testing. Allele origin: unknown. Affected: yes.
Comment: This variant was determined to be of uncertain significance according to ACMG Guidelines, 2015 [PMID:25741868].

NM_002161.6(IARS1):c.1930G>A (p.Gly644Ser)

Gene: IARS1 (isoleucyl-tRNA synthetase 1; minus strand). Cytogenetic location: 9q22.31.
Variant type: single nucleotide variant.
Coding change: c.1930G>A on transcript NM_002161.6 (MANE Select); coding-DNA position 1930, G replaced by A.
Protein change: p.Gly644Ser; replaces glycine 644 with serine.
Molecular consequence: missense variant. On other transcripts: non-coding transcript variant (1).
Genome position (GRCh38, 1-based): chr9:92,258,940, C>T on the plus strand (G>A on the coding strand, the complement: IARS1 is on the minus strand). VCF-style: chr9-92258940-C-T. GRCh37 (hg19) VCF-style: chr9-95021222-C-T.
Other names: c.1930G>A, p.Gly644Ser (NM_001374299.1, NM_001374300.1, NM_001378572.1 and 13 more transcripts); c.1846G>A, p.Gly616Ser (NM_001374301.1); c.1993G>A, p.Gly665Ser (NM_001378569.1); c.1951G>A, p.Gly651Ser (NM_001378571.1); c.1807G>A, p.Gly603Ser (NM_001378583.1); c.1930G>A (NM_013417.2); short protein forms G603S, G616S, G644S, G651S, G665S.
Identifiers: ClinVar variation 1033898 (VCV001033898.2), dbSNP rs202209545, ClinGen allele CA195415488.
Genomic context (GRCh38, chr9:92,258,940, plus strand): 5'-TTAAGAAGCGATAGGCATTGTACCATGGGAGCAGTACATCCTTAAGGACGTCCCGCACAC[C>T]CTCTTCTTTAAAGCGGAGGTTTTCTGCTCTCACCACAGGGGAGTTAATCAGATATAATCT-3'
Protein context (NP_002152.2, residues 634-654): RAENLRFKEE[Gly644Ser]VRDVLKDVLL